The following is an entry in ClinVar:

NM_000152.5(GAA):c.1646G>C (p.Gly549Ala)

Gene: GAA (alpha glucosidase; plus strand). Cytogenetic location: 17q25.3.
Variant type: single nucleotide variant.
Coding change: c.1646G>C on transcript NM_000152.5 (MANE Select); coding-DNA position 1646, G replaced by C.
Protein change: p.Gly549Ala; replaces glycine 549 with alanine.
Molecular consequence: missense variant.
Genome position (GRCh38, 1-based): chr17:80,111,992, G>C. VCF-style: chr17-80111992-G-C. GRCh37 (hg19) VCF-style: chr17-78085791-G-C.
Other names: c.1646G>C, p.Gly549Ala (NM_001079803.3, NM_001079804.3); short protein forms G549A.
Identifiers: ClinVar variation 951481 (VCV000951481.9), dbSNP rs2039246325, ClinGen allele CA401368773.

ClinVar aggregate classification (germline): Uncertain significance. Review status: criteria provided, multiple submitters, no conflicts (2 of 4 stars). 3 submissions from 3 submitters: Uncertain significance (3). Last evaluated 2022-06-27.

Conditions:
Cardiovascular phenotype. Identifiers: MedGen CN230736.
Glycogen storage disease, type II (IOPD). Also called: POMPE DISEASE, INFANTILE-ONSET; GLYCOGEN STORAGE DISEASE II, INFANTILE-ONSET; ACID ALPHA-GLUCOSIDASE DEFICIENCY, INFANTILE-ONSET; GAA DEFICIENCY, INFANTILE-ONSET; ACID MALTASE DEFICIENCY, INFANTILE-ONSET; GLYCOGENOSIS, GENERALIZED, CARDIAC FORM. Identifiers: Orphanet 365, MedGen C0017921, MONDO:0009290, OMIM 232300.

Allele frequency attached by ClinVar (database versions not stated): TOPMed below 0.00001.
gnomAD v4.1: 6 of 1,613,598 alleles (0.00037%); highest among the groups gnomAD compares: Non-Finnish European, 0.00051%; no homozygotes.

Submissions (3):

Labcorp Genetics (formerly Invitae), Labcorp
Classification: Uncertain significance for Glycogen storage disease, type II. Last evaluated: 2022-06-27. Review status: criteria provided, single submitter. Criteria: Invitae Variant Classification Sherloc (09022015). Collection method: clinical testing. Allele origin: germline.
Comment: This sequence change replaces glycine, which is neutral and non-polar, with alanine, which is neutral and non-polar, at codon 549 of the GAA protein (p.Gly549Ala). This variant is not present in population databases (gnomAD no frequency). This variant has not been reported in the literature in individuals affected with GAA-related conditions. ClinVar contains an entry for this variant (Variation ID: 951481). Advanced modeling of protein sequence and biophysical properties (such as structural, functional, and spatial information, amino acid conservation, physicochemical variation, residue mobility, and thermodynamic stability) performed at Invitae indicates that this missense variant is expected to disrupt GAA protein function. Algorithms developed to predict the effect of sequence changes on RNA splicing suggest that this variant may disrupt the consensus splice site. In summary, the available evidence is currently insufficient to determine the role of this variant in disease. Therefore, it has been classified as a Variant of Uncertain Significance.

Ambry Genetics
Classification: Uncertain significance for Cardiovascular phenotype. Last evaluated: 2022-05-02. Review status: criteria provided, single submitter. Criteria: Ambry Variant Classification Scheme 2023. Collection method: clinical testing. Allele origin: germline.
Comment: The p.G549A variant (also known as c.1646G>C), located in coding exon 11 of the GAA gene, results from a G to C substitution at nucleotide position 1646. The glycine at codon 549 is replaced by alanine, an amino acid with similar properties. This amino acid position is conserved. In addition, the in silico prediction for this alteration is inconclusive. Since supporting evidence is limited at this time, the clinical significance of this alteration remains unclear.

GeneDx
Classification: Uncertain significance. Last evaluated: 2021-06-30. Review status: criteria provided, single submitter. Criteria: GeneDx Variant Classification Process June 2021. Collection method: clinical testing. Allele origin: germline. Affected: yes.
Comment: Has not been previously published as pathogenic or benign to our knowledge; Not observed at significant frequency in large population cohorts (Lek et al., 2016); Reported in ClinVar but additional evidence is not available (ClinVar Variant ID #951481; Landrum et al., 2016); In silico analysis supports that this missense variant has a deleterious effect on protein structure/function; This variant is associated with the following publications: (PMID: 27535533)